The following is an entry in ClinVar:

ClinVar aggregate classification (germline): Likely benign (1 of 4 stars; one submission).

gnomAD v4.1: 51 of 1,614,126 alleles (0.0032%); highest among the groups gnomAD compares: Non-Finnish European, 0.0041%; no homozygotes.

Submission:

CeGaT Center for Human Genetics Tuebingen
Classification: Likely benign. Last evaluated: 2025-02-01. Review status: criteria provided, single submitter. Criteria: CeGaT Center For Human Genetics Tuebingen Variant Classification Criteria Version 2. Collection method: clinical testing. Allele origin: germline. Affected: yes. Observed: 1 variant allele.
Comment: ATXN7: BP4

NM_001377405.1(ATXN7):c.2069C>T (p.Thr690Ile)

Gene: ATXN7 (ataxin 7; plus strand). Cytogenetic location: 3p14.1.
Variant type: single nucleotide variant.
Coding change: c.2069C>T on transcript NM_001377405.1 (MANE Select); coding-DNA position 2069, C replaced by T.
Protein change: p.Thr690Ile; replaces threonine 690 with isoleucine.
Molecular consequence: missense variant.
Genome position (GRCh38, 1-based): chr3:63,995,891, C>T. VCF-style: chr3-63995891-C-T. GRCh37 (hg19) VCF-style: chr3-63981567-C-T.
Other names: c.2069C>T, p.Thr690Ile (NM_000333.4, NM_001177387.1, NM_001377406.1); c.1634C>T, p.Thr545Ile (NM_001128149.3); short protein forms T545I, T690I.
Identifiers: ClinVar variation 3771011 (VCV003771011.13).